The following is an entry in ClinVar:

ClinVar aggregate classification (germline): Likely pathogenic. Review status: criteria provided, multiple submitters, no conflicts (2 of 4 stars). 2 submissions from 2 submitters: Likely pathogenic (2). Last evaluated 2023-10-17.

Conditions:
Deficiency of galactokinase. Also called: GALACTOSEMIA II; Galactokinase deficiency with cataracts. Identifiers: Orphanet 352, Orphanet 79237, MedGen C0268155, MONDO:0009255, OMIM 230200.

gnomAD v4.1: 1 of 1,613,782 alleles (0.000062%); highest among the groups gnomAD compares: Non-Finnish European, 0.000085%; no homozygotes.

Submissions (2):

Baylor Genetics
Classification: Likely pathogenic for Deficiency of galactokinase. Last evaluated: 2023-10-17. Review status: criteria provided, single submitter. Criteria: ACMG Guidelines, 2015. Collection method: clinical testing. Allele origin: unknown.

Labcorp Genetics (formerly Invitae), Labcorp
Classification: Likely pathogenic for Deficiency of galactokinase. Last evaluated: 2023-10-04. Review status: criteria provided, single submitter. Criteria: Invitae Variant Classification Sherloc (09022015). Collection method: clinical testing. Allele origin: germline.
Comment: This sequence change affects a donor splice site in intron 2 of the GALK1 gene. It is expected to disrupt RNA splicing. Variants that disrupt the donor or acceptor splice site typically lead to a loss of protein function (PMID: 16199547), and loss-of-function variants in GALK1 are known to be pathogenic (PMID: 7670469, 10790206). This variant is not present in population databases (gnomAD no frequency). This variant has not been reported in the literature in individuals affected with GALK1-related conditions. Algorithms developed to predict the effect of sequence changes on RNA splicing suggest that this variant may disrupt the consensus splice site. In summary, the currently available evidence indicates that the variant is pathogenic, but additional data are needed to prove that conclusively. Therefore, this variant has been classified as Likely Pathogenic.

Literature cited by the submitters: PubMed 16199547 (cited by Labcorp Genetics (formerly Invitae), Labcorp); PubMed 7670469 (cited by Labcorp Genetics (formerly Invitae), Labcorp); PubMed 10790206 (cited by Labcorp Genetics (formerly Invitae), Labcorp).

NM_000154.2(GALK1):c.355+1G>A

Gene: GALK1 (galactokinase 1; minus strand). Cytogenetic location: 17q25.1.
Variant type: single nucleotide variant.
Coding change: c.355+1G>A on transcript NM_000154.2 (MANE Select); the canonical splice donor site of the intron after coding-DNA position 355, G replaced by A.
Molecular consequence: splice donor variant.
Genome position (GRCh38, 1-based): chr17:75,763,896, C>T on the plus strand (G>A on the coding strand, the complement: GALK1 is on the minus strand). VCF-style: chr17-75763896-C-T. GRCh37 (hg19) VCF-style: chr17-73759977-C-T.
Other names: c.355+1G>A (NM_001381985.1).
Identifiers: ClinVar variation 2675793 (VCV002675793.4), dbSNP rs2061598689, ClinGen allele CA401106098.